The following is an entry in ClinVar:

ClinVar aggregate classification (germline): Uncertain significance (1 of 4 stars; one submission).

Conditions:
Encephalopathy, acute, infection-induced (herpes-specific), susceptibility to, 1. Also called: Herpes simplex encephalitis, susceptibility to, 1. Identifiers: Orphanet 1930, MedGen C2750180, MONDO:0024563, OMIM 610551.

Allele frequency attached by ClinVar (database versions not stated): gnomAD exomes 0.00001.
gnomAD v4.1: 5 of 1,607,712 alleles (0.00031%); highest among the groups gnomAD compares: Non-Finnish European, 0.00042%; no homozygotes.

Submission:

Labcorp Genetics (formerly Invitae), Labcorp
Classification: Uncertain significance for Encephalopathy, acute, infection-induced (herpes-specific), susceptibility to, 1. Last evaluated: 2025-08-09. Review status: criteria provided, single submitter. Criteria: Invitae Variant Classification Sherloc (09022015). Collection method: clinical testing. Allele origin: germline.
Comment: This sequence change replaces asparagine, which is neutral and polar, with aspartic acid, which is acidic and polar, at codon 607 of the TLR3 protein (p.Asn607Asp). This variant is not present in population databases (gnomAD no frequency). This variant has not been reported in the literature in individuals affected with TLR3-related conditions. ClinVar contains an entry for this variant (Variation ID: 2165785). An algorithm developed to predict the effect of missense changes on protein structure and function outputs the following: PolyPhen-2: "Benign". The aspartic acid amino acid residue is found in multiple mammalian species, which suggests that this missense change does not adversely affect protein function. In summary, the available evidence is currently insufficient to determine the role of this variant in disease. Therefore, it has been classified as a Variant of Uncertain Significance.

NM_003265.3(TLR3):c.1819A>G (p.Asn607Asp)

Gene: TLR3 (toll like receptor 3; plus strand). Cytogenetic location: 4q35.1.
Variant type: single nucleotide variant.
Coding change: c.1819A>G on transcript NM_003265.3 (MANE Select); coding-DNA position 1819, A replaced by G.
Protein change: p.Asn607Asp; replaces asparagine 607 with aspartic acid.
Molecular consequence: missense variant.
Genome position (GRCh38, 1-based): chr4:186,083,505, A>G. VCF-style: chr4-186083505-A-G. GRCh37 (hg19) VCF-style: chr4-187004659-A-G.
Other names: short protein forms N607D.
Identifiers: ClinVar variation 2165785 (VCV002165785.4), dbSNP rs2478228154, ClinGen allele CA358934244.
Genomic context (GRCh38, chr4:186,083,505, plus strand): 5'-GAACTAAAGATCATCGATTTAGGATTGAATAATTTAAACACACTTCCAGCATCTGTCTTT[A>G]ATAATCAGGTGTCTCTAAAGTCATTGAACCTTCAGAAGAATCTCATAACATCCGTTGAGA-3'
Protein context (NP_003256.1, residues 597-617): NLNTLPASVF[Asn607Asp]NQVSLKSLNL